The following is an entry in ClinVar:

NM_017882.3(CLN6):c.487-20C>T

Gene: CLN6 (CLN6 transmembrane ER protein; minus strand). Cytogenetic location: 15q23.
Variant type: single nucleotide variant.
Coding change: c.487-20C>T on transcript NM_017882.3 (MANE Select); 20 bases into the intron before coding-DNA position 487, C replaced by T.
Molecular consequence: intron variant.
Genome position (GRCh38, 1-based): chr15:68,211,338, G>A on the plus strand (C>T on the coding strand, the complement: CLN6 is on the minus strand). VCF-style: chr15-68211338-G-A. GRCh37 (hg19) VCF-style: chr15-68503676-G-A.
Identifiers: ClinVar variation 506710 (VCV000506710.9), dbSNP rs772189210, ClinGen allele CA7630574.

ClinVar aggregate classification (germline): Likely benign. Review status: criteria provided, multiple submitters, no conflicts (2 of 4 stars). 3 submissions from 3 submitters: Likely benign (3). Last evaluated 2025-11-26.

Conditions:
Neuronal ceroid lipofuscinosis. Also called: Neuronal Ceroid Lipofuscinoses. Identifiers: Orphanet 216, Orphanet 79263, MedGen C0027877, MONDO:0016295. Disease mechanism: loss of function.

Allele frequency attached by ClinVar (database versions not stated): ExAC 0.00002; gnomAD exomes 0.00002 and 0.00009; gnomAD 0.00003 and 0.00004; TOPMed 0.00005.
gnomAD v4.1: 128 of 1,613,508 alleles (0.0079%); highest among the groups gnomAD compares: Non-Finnish European, 0.01%; no homozygotes.

Submissions (3):

Labcorp Genetics (formerly Invitae), Labcorp
Classification: Likely benign for Neuronal ceroid lipofuscinosis. Last evaluated: 2025-11-26. Review status: criteria provided, single submitter. Criteria: Invitae Variant Classification Sherloc (09022015). Collection method: clinical testing. Allele origin: germline.

Blueprint Genetics
Classification: Likely benign. Last evaluated: 2024-08-16. Review status: criteria provided, single submitter. Criteria: ACMG Guidelines, 2015. Collection method: clinical testing. Allele origin: germline.

GeneDx
Classification: Likely benign. Last evaluated: 2017-12-07. Review status: criteria provided, single submitter. Criteria: GeneDx Variant Classification (06012015). Collection method: clinical testing. Allele origin: germline. Affected: yes.
Comment: This variant is considered likely benign or benign based on one or more of the following criteria: it is a conservative change, it occurs at a poorly conserved position in the protein, it is predicted to be benign by multiple in silico algorithms, and/or has population frequency not consistent with disease.